The following is an entry in ClinVar:

NM_014975.3(MAST1):c.3952G>A (p.Glu1318Lys)

Gene: MAST1 (microtubule associated serine/threonine kinase 1; plus strand). Cytogenetic location: 19p13.13.
Variant type: single nucleotide variant.
Coding change: c.3952G>A on transcript NM_014975.3 (MANE Select); coding-DNA position 3952, G replaced by A.
Protein change: p.Glu1318Lys; replaces glutamic acid 1318 with lysine.
Molecular consequence: missense variant.
Genome position (GRCh38, 1-based): chr19:12,874,109, G>A. VCF-style: chr19-12874109-G-A. GRCh37 (hg19) VCF-style: chr19-12984923-G-A.
Other names: c.3952G>A (NM_014975.2); short protein forms E1318K.
Identifiers: ClinVar variation 2067416 (VCV002067416.7), dbSNP rs777354054, ClinGen allele CA9233501.

ClinVar aggregate classification (germline): Uncertain significance. Review status: criteria provided, multiple submitters, no conflicts (2 of 4 stars). 2 submissions from 2 submitters: Uncertain significance (2). Last evaluated 2025-08-13.

Conditions:
Inborn genetic diseases. Identifiers: MedGen C0950123, MeSH D030342.

Allele frequency attached by ClinVar (database versions not stated): TOPMed 0.00002; gnomAD exomes 0.00010; gnomAD 0.00003.
gnomAD v4.1: 136 of 1,552,042 alleles (0.0088%); highest among the groups gnomAD compares: Non-Finnish European, 0.012%; no homozygotes.

Submissions (2):

Ambry Genetics
Classification: Uncertain significance for Inborn genetic diseases. Last evaluated: 2025-08-13. Review status: criteria provided, single submitter. Criteria: Ambry Variant Classification Scheme 2023. Collection method: clinical testing. Allele origin: germline.

Labcorp Genetics (formerly Invitae), Labcorp
Classification: Uncertain significance. Last evaluated: 2024-10-15. Review status: criteria provided, single submitter. Criteria: Invitae Variant Classification Sherloc (09022015). Collection method: clinical testing. Allele origin: germline.
Comment: This sequence change replaces glutamic acid, which is acidic and polar, with lysine, which is basic and polar, at codon 1318 of the MAST1 protein (p.Glu1318Lys). This variant is present in population databases (rs777354054, gnomAD 0.006%). This variant has not been reported in the literature in individuals affected with MAST1-related conditions. ClinVar contains an entry for this variant (Variation ID: 2067416). An algorithm developed to predict the effect of missense changes on protein structure and function (PolyPhen-2) suggests that this variant is likely to be tolerated. In summary, the available evidence is currently insufficient to determine the role of this variant in disease. Therefore, it has been classified as a Variant of Uncertain Significance.